The following is an entry in ClinVar:

NM_022124.6(CDH23):c.9713C>T (p.Ser3238Phe)

Gene: CDH23 (cadherin related 23; plus strand). Cytogenetic location: 10q22.1.
Variant type: single nucleotide variant.
Coding change: c.9713C>T on transcript NM_022124.6 (MANE Select); coding-DNA position 9713, C replaced by T.
Protein change: p.Ser3238Phe; replaces serine 3238 with phenylalanine.
Molecular consequence: missense variant. On other transcripts: intron variant (2).
Genome position (GRCh38, 1-based): chr10:71,813,323, C>T. VCF-style: chr10-71813323-C-T. GRCh37 (hg19) VCF-style: chr10-73573080-C-T.
Other names: c.2993C>T, p.Ser998Phe (NM_001171933.1); c.404C>T, p.Ser135Phe (NM_001171935.1); c.2913+433C>T (NM_001171934.1); c.324+433C>T (NM_001171936.1); short protein forms S3238F, S998F, S135F.
Identifiers: ClinVar variation 2164239 (VCV002164239.4), dbSNP rs2494464399, ClinGen allele CA377137373.

ClinVar aggregate classification (germline): Uncertain significance (1 of 4 stars; one submission).

Allele frequency attached by ClinVar (database versions not stated): gnomAD exomes below 0.00001.
gnomAD v4.1: 2 of 1,551,632 alleles (0.00013%); highest among the groups gnomAD compares: Non-Finnish European, 0.00017%; no homozygotes.

Submission:

Labcorp Genetics (formerly Invitae), Labcorp
Classification: Uncertain significance. Last evaluated: 2021-12-27. Review status: criteria provided, single submitter. Criteria: Invitae Variant Classification Sherloc (09022015). Collection method: clinical testing. Allele origin: germline.
Comment: This sequence change replaces serine, which is neutral and polar, with phenylalanine, which is neutral and non-polar, at codon 3238 of the CDH23 protein (p.Ser3238Phe). This variant is not present in population databases (gnomAD no frequency). This variant has not been reported in the literature in individuals affected with CDH23-related conditions. In summary, the available evidence is currently insufficient to determine the role of this variant in disease. Therefore, it has been classified as a Variant of Uncertain Significance. Algorithms developed to predict the effect of missense changes on protein structure and function are either unavailable or do not agree on the potential impact of this missense change (SIFT: "Deleterious"; PolyPhen-2: "Not Available"; Align-GVGD: "Class C0").